The following is an entry in ClinVar:

NM_022124.6(CDH23):c.4442T>C (p.Val1481Ala)

Gene: CDH23 (cadherin related 23; plus strand). Cytogenetic location: 10q22.1.
Variant type: single nucleotide variant.
Coding change: c.4442T>C on transcript NM_022124.6 (MANE Select); coding-DNA position 4442, T replaced by C.
Protein change: p.Val1481Ala; replaces valine 1481 with alanine.
Molecular consequence: missense variant.
Genome position (GRCh38, 1-based): chr10:71,739,726, T>C. VCF-style: chr10-71739726-T-C. GRCh37 (hg19) VCF-style: chr10-73499483-T-C.
Other names: short protein forms V1481A.
Identifiers: ClinVar variation 1022882 (VCV001022882.10), dbSNP rs1839683059, ClinGen allele CA377160166.

ClinVar aggregate classification (germline): Uncertain significance (1 of 4 stars; one submission).

Submission:

Labcorp Genetics (formerly Invitae), Labcorp
Classification: Uncertain significance. Last evaluated: 2022-08-09. Review status: criteria provided, single submitter. Criteria: Invitae Variant Classification Sherloc (09022015). Collection method: clinical testing. Allele origin: germline.
Comment: This variant has not been reported in the literature in individuals affected with CDH23-related conditions. In summary, the available evidence is currently insufficient to determine the role of this variant in disease. Therefore, it has been classified as a Variant of Uncertain Significance. Algorithms developed to predict the effect of missense changes on protein structure and function are either unavailable or do not agree on the potential impact of this missense change (SIFT: "Tolerated"; PolyPhen-2: "Not Available"; Align-GVGD: "Class C0"). ClinVar contains an entry for this variant (Variation ID: 1022882). This variant is not present in population databases (gnomAD no frequency). This sequence change replaces valine, which is neutral and non-polar, with alanine, which is neutral and non-polar, at codon 1481 of the CDH23 protein (p.Val1481Ala).